The following is an entry in ClinVar:

NM_002055.5(GFAP):c.1089C>G (p.Ile363Met)

Genes: GFAP (glial fibrillary acidic protein; minus strand), LOC130060994 (ATAC-STARR-seq lymphoblastoid active region 12266; plus strand). Cytogenetic location: 17q21.31.
Variant type: single nucleotide variant.
Coding change: c.1089C>G on transcript NM_002055.5 (MANE Select); coding-DNA position 1089, C replaced by G.
Protein change: p.Ile363Met; replaces isoleucine 363 with methionine.
Molecular consequence: missense variant.
Genome position (GRCh38, 1-based): chr17:44,911,274, G>C on the plus strand (C>G on the coding strand, the complement: GFAP is on the minus strand). VCF-style: chr17-44911274-G-C. GRCh37 (hg19) VCF-style: chr17-42988642-G-C.
Other names: c.1089C>G, p.Ile363Met (NM_001131019.3, NM_001242376.3, NM_001363846.2); short protein forms I363M.
Identifiers: ClinVar variation 1720685 (VCV001720685.6), dbSNP rs2508933424, ClinGen allele CA399843459.

ClinVar aggregate classification (germline): Uncertain significance (1 of 4 stars; one submission).

Submission:

Labcorp Genetics (formerly Invitae), Labcorp
Classification: Uncertain significance. Last evaluated: 2022-09-29. Review status: criteria provided, single submitter. Criteria: Invitae Variant Classification Sherloc (09022015). Collection method: clinical testing. Allele origin: germline.
Comment: In summary, the available evidence is currently insufficient to determine the role of this variant in disease. Therefore, it has been classified as a Variant of Uncertain Significance. This sequence change replaces isoleucine, which is neutral and non-polar, with methionine, which is neutral and non-polar, at codon 363 of the GFAP protein (p.Ile363Met). This variant is not present in population databases (gnomAD no frequency). This variant has not been reported in the literature in individuals affected with GFAP-related conditions. Advanced modeling of protein sequence and biophysical properties (such as structural, functional, and spatial information, amino acid conservation, physicochemical variation, residue mobility, and thermodynamic stability) has been performed at Invitae for this missense variant, however the output from this modeling did not meet the statistical confidence thresholds required to predict the impact of this variant on GFAP protein function.